The following is an entry in ClinVar:

NM_012186.3(FOXE3):c.260C>A (p.Ala87Asp)

Genes: FOXE3 (forkhead box E3; plus strand), LINC01389 (long intergenic non-protein coding RNA 1389; minus strand). Cytogenetic location: 1p33.
Variant type: single nucleotide variant.
Coding change: c.260C>A on transcript NM_012186.3 (MANE Select); coding-DNA position 260, C replaced by A.
Protein change: p.Ala87Asp; replaces alanine 87 with aspartic acid.
Molecular consequence: missense variant.
Genome position (GRCh38, 1-based): chr1:47,416,575, C>A. VCF-style: chr1-47416575-C-A. GRCh37 (hg19) VCF-style: chr1-47882247-C-A.
Other names: short protein forms A87D.
Identifiers: ClinVar variation 1793768 (VCV001793768.2), dbSNP rs1396572107, ClinGen allele CA340249352.

ClinVar aggregate classification (germline): Uncertain significance (1 of 4 stars; one submission).

Conditions:
Cardiovascular phenotype. Identifiers: MedGen CN230736.

Submission:

Ambry Genetics
Classification: Uncertain significance for Cardiovascular phenotype. Last evaluated: 2021-07-27. Review status: criteria provided, single submitter. Criteria: Ambry Variant Classification Scheme 2023. Collection method: clinical testing. Allele origin: germline.
Comment: The p.A87D variant (also known as c.260C>A), located in coding exon 1 of the FOXE3 gene, results from a C to A substitution at nucleotide position 260. The alanine at codon 87 is replaced by aspartic acid, an amino acid with dissimilar properties. This amino acid position is conserved. In addition, the in silico prediction for this alteration is inconclusive. Since supporting evidence is limited at this time, the clinical significance of this alteration remains unclear.